The following is an entry in ClinVar:

ClinVar aggregate classification (germline): Uncertain significance (1 of 4 stars; one submission).

Conditions:
DOORS syndrome (DOORS). Also called: Digitorenocerebral syndrome; DRC SYNDROME; BRACHYDACTYLY DUE TO ABSENCE OF DISTAL PHALANGES; ERONEN SYNDROME; DOOR SYNDROME; DOORS Syndrome (Deafness, Onychodystrophy, Osteodystrophy, Mental Retardation, and Seizures). Identifiers: Orphanet 3231, Orphanet 79500, MedGen C0795934, MONDO:0009079, OMIM 220500. Disease mechanism: loss of function.

Submission:

3billion
Classification: Uncertain significance for DOORS syndrome. Last evaluated: 2024-10-23. Review status: criteria provided, single submitter. Criteria: ACMG Guidelines, 2015. Collection method: clinical testing. Allele origin: germline. Affected: yes.
Comment: The variant is observed at an extremely low frequency in the gnomAD v4.1.0 dataset (total allele frequency: <0.001%). Predicted Consequence/Location: Missense variant In silico tool predictions suggest no damaging effect of the variant on gene or gene product [REVEL: 0.08 (<0.4); 3Cnet: 0.00 (<0.15, specificity 0.78 and negative predictive value 0.92)]. Different missense changes at the same codon have been reported as of uncertain significance (ClinVar ID: VCV001027003). Therefore, this variant is classified as VUS according to the recommendation of ACMG/AMP guideline.

NM_001199107.2(TBC1D24):c.479C>T (p.Ala160Val)

Gene: TBC1D24 (TBC1 domain family member 24; plus strand). Cytogenetic location: 16p13.3.
Variant type: single nucleotide variant.
Coding change: c.479C>T on transcript NM_001199107.2 (MANE Select); coding-DNA position 479, C replaced by T.
Protein change: p.Ala160Val; replaces alanine 160 with valine.
Molecular consequence: missense variant.
Genome position (GRCh38, 1-based): chr16:2,496,627, C>T. VCF-style: chr16-2496627-C-T. GRCh37 (hg19) VCF-style: chr16-2546628-C-T.
Other names: c.479C>T, p.Ala160Val (NM_020705.3); short protein forms A160V.
Identifiers: ClinVar variation 4292544 (VCV004292544.1).